The following is an entry in ClinVar:

NM_002430.3(MN1):c.1620_1640del (p.Gln544_Gln550del)

Gene: MN1 (MN1 proto-oncogene, transcriptional regulator; minus strand). Cytogenetic location: 22q12.1.
Variant type: Deletion.
Coding change: c.1620_1640del on transcript NM_002430.3 (MANE Select); coding-DNA positions 1620 to 1640, 21 bases deleted (ACAGCAACAGCAACAGCAGCA).
Protein change: p.Gln544_Gln550del.
Molecular consequence: inframe deletion.
Genome position (GRCh38, 1-based): chr22:27,798,904-27,798,924, TGCTGCTGTTGCTGTTGCTGT deleted on the plus strand (ACAGCAACAGCAACAGCAGCA on the coding strand, the reverse complement: MN1 is on the minus strand); deleting any 21 consecutive bases within chr22:27,798,904-27,798,932 gives the same sequence; the c. name uses the placement nearest the transcript's 3' end. VCF-style (leftmost placement, unchanged base first): chr22-27798903-CTGCTGCTGTTGCTGTTGCTGT-C. GRCh37 (hg19) VCF-style: chr22-28194891-CTGCTGCTGTTGCTGTTGCTGT-C.
Identifiers: ClinVar variation 2298120 (VCV002298120.2), dbSNP rs1227491101, ClinGen allele CA752132695.
Genomic context (GRCh38, chr22:27,798,903, plus strand): 5'-CTGCTGATTCCGCGACGCCATCTGCTTAATCATGAGGGCCGCGTTTTGGCGCTGCTGCTG[CTGCTGCTGTTGCTGTTGCTGT>C]TGCTGCTGCTGCTGCTGCTGTTGCTGCTGCTGCTGCTGCTGCTGCTGCTGTTGCAGGGAC-3'

ClinVar aggregate classification (germline): Uncertain significance (1 of 4 stars; one submission).

Conditions:
Inborn genetic diseases. Identifiers: MedGen C0950123, MeSH D030342.

Submission:

Ambry Genetics
Classification: Uncertain significance for Inborn genetic diseases. Last evaluated: 2022-07-24. Review status: criteria provided, single submitter. Criteria: Ambry Variant Classification Scheme 2023. Collection method: clinical testing. Allele origin: germline.
Comment: The c.1620_1640del21 () alteration is located in exon 1 (coding exon 1) of the MN1 gene. This alteration consists of an in-frame deletion of 21 nucleotides between nucleotide positions c.1620 and c.1640, resulting in the deletion of <NA> residues. Based on insufficient or conflicting evidence, the clinical significance of this alteration remains unclear.